The following is an entry in ClinVar:

ClinVar aggregate classification (germline): Uncertain significance. Review status: criteria provided, multiple submitters, no conflicts (2 of 4 stars). 2 submissions from 2 submitters: Uncertain significance (2). Last evaluated 2025-04-03.

Allele frequency attached by ClinVar (database versions not stated): ExAC 0.00002; TOPMed 0.00011; 1000 Genomes Project 30x 0.00047; 1000 Genomes Project 0.00040.
gnomAD v4.1: 15 of 1,614,058 alleles (0.00093%); highest among the groups gnomAD compares: Admixed American, 0.017%; no homozygotes.

Submissions (2):

Ambry Genetics
Classification: Uncertain significance. Last evaluated: 2025-04-03. Review status: criteria provided, single submitter. Criteria: Ambry Variant Classification Scheme 2023. Collection method: clinical testing. Allele origin: germline.

GeneDx
Classification: Uncertain significance. Last evaluated: 2022-04-06. Review status: criteria provided, single submitter. Criteria: GeneDx Variant Classification Process June 2021. Collection method: clinical testing. Allele origin: germline. Affected: yes.
Comment: In silico analysis supports that this missense variant has a deleterious effect on protein structure/function; Has not been previously published as pathogenic or benign to our knowledge

NM_001025616.3(ARHGAP24):c.628C>T (p.Leu210Phe)

Gene: ARHGAP24 (Rho GTPase activating protein 24; plus strand). Cytogenetic location: 4q21.23.
Variant type: single nucleotide variant.
Coding change: c.628C>T on transcript NM_001025616.3 (MANE Select); coding-DNA position 628, C replaced by T.
Protein change: p.Leu210Phe; replaces leucine 210 with phenylalanine.
Molecular consequence: missense variant.
Genome position (GRCh38, 1-based): chr4:85,972,064, C>T. VCF-style: chr4-85972064-C-T. GRCh37 (hg19) VCF-style: chr4-86893217-C-T.
Other names: c.343C>T, p.Leu115Phe (NM_001042669.2); c.373C>T, p.Leu125Phe (NM_001287805.2); c.49C>T, p.Leu17Phe (NM_001346093.2); c.349C>T, p.Leu117Phe (NM_031305.3); short protein forms L115F, L117F, L125F, L17F, L210F.
Identifiers: ClinVar variation 1708704 (VCV001708704.6), dbSNP rs187001208, ClinGen allele CA2994548.
Genomic context (GRCh38, chr4:85,972,064, plus strand): 5'-CAAAGAATATCTTCACACTTCTGTCTCCACAGCAACACAGATGTACACACGGTGGCATCA[C>T]TTCTTAAGCTGTACCTCCGAGAACTTCCAGAACCAGTTATTCCTTATGCGAAGTATGAAG-3'
Protein context (NP_001020787.2, residues 200-220): SNTDVHTVAS[Leu210Phe]LKLYLRELPE